The following is an entry in ClinVar:

ClinVar aggregate classification (germline): Uncertain significance (1 of 4 stars; one submission).

Conditions:
Hereditary spastic paraplegia 39 (SPG39). Also called: SPASTIC PARAPLEGIA 39, AUTOSOMAL RECESSIVE; Spastic Paraplegia Type 39 (SPG39). Identifiers: Orphanet 139480, MedGen C2677586, MONDO:0012787, OMIM 612020.

Allele frequency attached by ClinVar (database versions not stated): gnomAD exomes below 0.00001.
gnomAD v4.1: 2 of 1,566,864 alleles (0.00013%); highest among the groups gnomAD compares: Non-Finnish European, 0.000087%; no homozygotes.

Submission:

Labcorp Genetics (formerly Invitae), Labcorp
Classification: Uncertain significance for Hereditary spastic paraplegia 39. Last evaluated: 2020-02-22. Review status: criteria provided, single submitter. Criteria: Invitae Variant Classification Sherloc (09022015). Collection method: clinical testing. Allele origin: germline.
Comment: In summary, the available evidence is currently insufficient to determine the role of this variant in disease. Therefore, it has been classified as a Variant of Uncertain Significance. This sequence change replaces alanine with threonine at codon 932 of the PNPLA6 protein (p.Ala932Thr). The alanine residue is moderately conserved and there is a small physicochemical difference between alanine and threonine. This variant is not present in population databases (ExAC no frequency). This variant has not been reported in the literature in individuals with PNPLA6-related conditions. Algorithms developed to predict the effect of missense changes on protein structure and function are either unavailable or do not agree on the potential impact of this missense change (SIFT: "Deleterious"; PolyPhen-2: "Possibly Damaging"; Align-GVGD: "Class C0").

NM_001166114.2(PNPLA6):c.2908G>A (p.Ala970Thr)

Gene: PNPLA6 (patatin like domain 6, lysophospholipase; plus strand). Cytogenetic location: 19p13.2.
Variant type: single nucleotide variant.
Coding change: c.2908G>A on transcript NM_001166114.2 (MANE Select); coding-DNA position 2908, G replaced by A.
Protein change: p.Ala970Thr; replaces alanine 970 with threonine.
Molecular consequence: missense variant.
Genome position (GRCh38, 1-based): chr19:7,555,339, G>A. VCF-style: chr19-7555339-G-A. GRCh37 (hg19) VCF-style: chr19-7620225-G-A.
Other names: c.2938G>A, p.Ala980Thr (NM_001166111.2); c.2713G>A, p.Ala905Thr (NM_001166112.2); c.2794G>A, p.Ala932Thr (NM_001166113.1, NM_006702.5); short protein forms A905T, A932T, A970T, A980T.
Identifiers: ClinVar variation 1000068 (VCV001000068.8), dbSNP rs2023828884, ClinGen allele CA403130864.
Genomic context (GRCh38, chr19:7,555,339, plus strand): 5'-CGCGCGGACCGGCACAGCGACTTCTCCCGCTTGGCGAGGGTGCTCACGGGGAACACCATT[G>A]CCCTTGTGCTAGGCGGGGGCGGGGCCAGGTGAGGGCGGGGCTTGCTCTCTGGGGGCGGGG-3'
Protein context (NP_001159586.1, residues 960-980): LARVLTGNTI[Ala970Thr]LVLGGGGARG